The following is an entry in ClinVar:

NM_004836.7(EIF2AK3):c.1912C>T (p.Arg638Ter)

Gene: EIF2AK3 (eukaryotic translation initiation factor 2 alpha kinase 3; minus strand). Cytogenetic location: 2p11.2.
Variant type: single nucleotide variant.
Coding change: c.1912C>T on transcript NM_004836.7 (MANE Select); coding-DNA position 1912, C replaced by T.
Protein change: p.Arg638Ter; replaces arginine 638 with a stop codon.
Molecular consequence: nonsense.
Genome position (GRCh38, 1-based): chr2:88,576,678, G>A on the plus strand (C>T on the coding strand, the complement: EIF2AK3 is on the minus strand). VCF-style: chr2-88576678-G-A. GRCh37 (hg19) VCF-style: chr2-88876196-G-A.
Other names: c.1459C>T, p.Arg487Ter (NM_001313915.2); short protein forms R487*, R638*.
Identifiers: ClinVar variation 2675010 (VCV002675010.5), dbSNP rs200307027, ClinGen allele CA347593351.

ClinVar aggregate classification (germline): Pathogenic. Review status: criteria provided, multiple submitters, no conflicts (2 of 4 stars). 3 submissions from 3 submitters: Pathogenic (3). Last evaluated 2024-02-23.

Conditions:
Wolcott-Rallison dysplasia. Also called: Wolcott-Rallison syndrome; MED-IDDM SYNDROME. Identifiers: Orphanet 1667, MedGen C0432217, MONDO:0009192, OMIM 226980.

gnomAD v4.1: 1 of 1,613,968 alleles (0.000062%); highest among the groups gnomAD compares: Non-Finnish European, 0.000085%; no homozygotes.

Submissions (3):

Labcorp Genetics (formerly Invitae), Labcorp
Classification: Pathogenic. Last evaluated: 2024-02-23. Review status: criteria provided, single submitter. Criteria: Invitae Variant Classification Sherloc (09022015). Collection method: clinical testing. Allele origin: germline.
Comment: This sequence change creates a premature translational stop signal (p.Arg638*) in the EIF2AK3 gene. It is expected to result in an absent or disrupted protein product. Loss-of-function variants in EIF2AK3 are known to be pathogenic (PMID: 11997520). This variant is not present in population databases (gnomAD no frequency). This premature translational stop signal has been observed in individual(s) with diabetes mellitus (PMID: 31638168). For these reasons, this variant has been classified as Pathogenic.

Fulgent Genetics
Classification: Pathogenic for Wolcott-Rallison dysplasia. Last evaluated: 2024-01-10. Review status: criteria provided, single submitter. Criteria: ACMG Guidelines, 2015. Collection method: clinical testing. Allele origin: germline.

Baylor Genetics
Classification: Pathogenic for Wolcott-Rallison dysplasia. Last evaluated: 2023-10-03. Review status: criteria provided, single submitter. Criteria: ACMG Guidelines, 2015. Collection method: clinical testing. Allele origin: unknown.

Literature cited by the submitters: PubMed 11997520 (cited by Labcorp Genetics (formerly Invitae), Labcorp); PubMed 31638168 (cited by Labcorp Genetics (formerly Invitae), Labcorp).